The following is an entry in ClinVar:

ClinVar aggregate classification (germline): Uncertain significance (1 of 4 stars; one submission).

gnomAD v4.1: 31 of 1,614,130 alleles (0.0019%); highest among the groups gnomAD compares: Admixed American, 0.02%; no homozygotes.

Submission:

Labcorp Genetics (formerly Invitae), Labcorp
Classification: Uncertain significance. Last evaluated: 2025-07-17. Review status: criteria provided, single submitter. Criteria: Invitae Variant Classification Sherloc (09022015). Collection method: clinical testing. Allele origin: germline.
Comment: This sequence change replaces glutamic acid, which is acidic and polar, with lysine, which is basic and polar, at codon 1407 of the FBN3 protein (p.Glu1407Lys). This variant is present in population databases (rs778407139, gnomAD 0.01%). This variant has not been reported in the literature in individuals affected with FBN3-related conditions. Invitae Evidence Modeling of protein sequence and biophysical properties (such as structural, functional, and spatial information, amino acid conservation, physicochemical variation, residue mobility, and thermodynamic stability) indicates that this missense variant is expected to disrupt FBN3 protein function with a positive predictive value of 80%. In summary, the available evidence is currently insufficient to determine the role of this variant in disease. Therefore, it has been classified as a Variant of Uncertain Significance.

NM_032447.5(FBN3):c.4219G>A (p.Glu1407Lys)

Gene: FBN3 (fibrillin 3; minus strand). Cytogenetic location: 19p13.2.
Variant type: single nucleotide variant.
Coding change: c.4219G>A on transcript NM_032447.5 (MANE Select); coding-DNA position 4219, G replaced by A.
Protein change: p.Glu1407Lys; replaces glutamic acid 1407 with lysine.
Molecular consequence: missense variant.
Genome position (GRCh38, 1-based): chr19:8,110,959, C>T on the plus strand (G>A on the coding strand, the complement: FBN3 is on the minus strand). VCF-style: chr19-8110959-C-T. GRCh37 (hg19) VCF-style: chr19-8175843-C-T.
Other names: c.4219G>A, p.Glu1407Lys (NM_001321431.2); short protein forms E1407K.
Identifiers: ClinVar variation 4748334 (VCV004748334.1).
Genomic context (GRCh38, chr19:8,110,959, plus strand): 5'-GGAACATTCCAGGCAGGTTCTCACAGCTCCCAAATGCACAGAGGTTCCCTTGCGCACACT[C>T]GTCCACATCTGCGGGGACCCTGGGTCAGCCTGCCCCACCCAGAGTCTGCAGGGGGGACCT-3'
Protein context (NP_115823.3, residues 1397-1417): EDHRACQDVD[Glu1407Lys]CAQGNLCAFG